The following is an entry in ClinVar:

ClinVar aggregate classification (germline): Likely pathogenic (1 of 4 stars; one submission).

Conditions:
Maple syrup urine disease (MSUD). Identifiers: Orphanet 511, MedGen C0024776, MeSH D008375, MONDO:0009563. Disease mechanism: loss of function.

Submission:

Labcorp Genetics (formerly Invitae), Labcorp
Classification: Likely pathogenic for Maple syrup urine disease. Last evaluated: 2024-01-28. Review status: criteria provided, single submitter. Criteria: Invitae Variant Classification Sherloc (09022015). Collection method: clinical testing. Allele origin: germline.
Comment: This sequence change replaces aspartic acid, which is acidic and polar, with asparagine, which is neutral and polar, at codon 302 of the BCKDHA protein (p.Asp302Asn). This variant is not present in population databases (gnomAD no frequency). This variant has not been reported in the literature in individuals affected with BCKDHA-related conditions. Advanced modeling of protein sequence and biophysical properties (such as structural, functional, and spatial information, amino acid conservation, physicochemical variation, residue mobility, and thermodynamic stability) performed at Invitae indicates that this missense variant is expected to disrupt BCKDHA protein function with a positive predictive value of 95%. This variant disrupts the p.Asp302 amino acid residue in BCKDHA. Other variant(s) that disrupt this residue have been determined to be pathogenic (PMID: 16786533, 18378174, 31980395). This suggests that this residue is clinically significant, and that variants that disrupt this residue are likely to be disease-causing. In summary, the currently available evidence indicates that the variant is pathogenic, but additional data are needed to prove that conclusively. Therefore, this variant has been classified as Likely Pathogenic.

Literature cited by the submitters: PubMed 16786533; PubMed 18378174; PubMed 31980395.

NM_000709.4(BCKDHA):c.904G>A (p.Asp302Asn)

Gene: BCKDHA (branched chain keto acid dehydrogenase E1 subunit alpha; plus strand). Cytogenetic location: 19q13.2.
Variant type: single nucleotide variant.
Coding change: c.904G>A on transcript NM_000709.4 (MANE Select); coding-DNA position 904, G replaced by A.
Protein change: p.Asp302Asn; replaces aspartic acid 302 with asparagine.
Molecular consequence: missense variant.
Genome position (GRCh38, 1-based): chr19:41,422,679, G>A. VCF-style: chr19-41422679-G-A. GRCh37 (hg19) VCF-style: chr19-41928584-G-A.
Other names: c.901G>A, p.Asp301Asn (NM_001164783.2); short protein forms D302N, D301N.
Identifiers: ClinVar variation 2909617 (VCV002909617.3), dbSNP rs2513460449, ClinGen allele CA406013364.
Genomic context (GRCh38, chr19:41,422,679, plus strand): 5'-GTCCCCACAGCAGCACGAGGCCCCGGGTATGGCATCATGTCAATCCGCGTGGATGGTAAT[G>A]ATGTGTTTGCCGTATACAACGCCACAAAGGAGGCCCGACGGCGGGCTGTGGCAGAGAACC-3'
Protein context (NP_000700.1, residues 292-312): GIMSIRVDGN[Asp302Asn]VFAVYNATKE